The following is an entry in ClinVar:

NM_003072.5(SMARCA4):c.2001+7G>C

Gene: SMARCA4 (SWI/SNF related BAF chromatin remodeling complex subunit ATPase 4; plus strand). Cytogenetic location: 19p13.2.
Variant type: single nucleotide variant.
Coding change: c.2001+7G>C on transcript NM_003072.5 (MANE Select); 7 bases into the intron after coding-DNA position 2001, G replaced by C.
Molecular consequence: intron variant.
Genome position (GRCh38, 1-based): chr19:11,003,404, G>C. VCF-style: chr19-11003404-G-C. GRCh37 (hg19) VCF-style: chr19-11114080-G-C.
Other names: c.2001+7G>C (NM_001128844.3, NM_001128849.3, NM_001128847.4 and 5 more transcripts).
Identifiers: ClinVar variation 1106600 (VCV001106600.10), dbSNP rs747797356, ClinGen allele CA9203967.

ClinVar aggregate classification (germline): Likely benign. Review status: criteria provided, multiple submitters, no conflicts (2 of 4 stars). 2 submissions from 2 submitters: Likely benign (2). Last evaluated 2026-07-07.

Conditions:
Rhabdoid tumor predisposition syndrome 2 (RTPS2). Identifiers: Orphanet 231108, Orphanet 69077, MedGen C2750074, MONDO:0013224, OMIM 613325.

Allele frequency attached by ClinVar (database versions not stated): gnomAD 0.00001; gnomAD exomes below 0.00001; ExAC 0.00001.
gnomAD v4.1: 1 of 1,612,948 alleles (0.000062%); highest among the groups gnomAD compares: East Asian, 0.0022%; no homozygotes.

Submissions (2):

Myriad Genetics, Inc.
Classification: Likely benign for Rhabdoid tumor predisposition syndrome 2. Last evaluated: 2026-07-07. Review status: criteria provided, single submitter. Criteria: Myriad Autosomal Dominant, Autosomal Recessive and X-Linked Classification Criteria (2023). Collection method: clinical testing. Allele origin: unknown.
Comment: This variant is considered likely benign. This variant is intronic and is not expected to impact mRNA splicing.

Labcorp Genetics (formerly Invitae), Labcorp
Classification: Likely benign for Rhabdoid tumor predisposition syndrome 2. Last evaluated: 2025-10-13. Review status: criteria provided, single submitter. Criteria: Invitae Variant Classification Sherloc (09022015). Collection method: clinical testing. Allele origin: germline.